The following is an entry in ClinVar:

NM_002691.4(POLD1):c.2577_2581dup (p.Val861fs)

Gene: POLD1 (DNA polymerase delta 1, catalytic subunit; plus strand). Cytogenetic location: 19q13.33.
Variant type: Duplication.
Coding change: c.2577_2581dup on transcript NM_002691.4 (MANE Select); coding-DNA positions 2577 to 2581, 5 bases duplicated (CGCGG; older notation c.2577_2581dupCGCGG).
Protein change: p.Val861fs; shifts the reading frame from valine 861.
Molecular consequence: frameshift variant. On other transcripts: non-coding transcript variant (1).
Genome position (GRCh38, 1-based): chr19:50,415,450-50,415,454, CGCGG duplicated; duplicating any 5 consecutive bases within chr19:50,415,448-50,415,454 gives the same sequence; the c. name uses the placement nearest the transcript's 3' end. VCF-style (leftmost placement, unchanged base first): chr19-50415447-G-GGGCGC. GRCh37 (hg19) VCF-style: chr19-50918704-G-GGGCGC.
Other names: c.2655_2659dup, p.Val887fs (NM_001308632.1); c.2577_2581dup, p.Val861fs (NM_001256849.1); short protein forms V887fs, V861fs.
Identifiers: ClinVar variation 3781379 (VCV003781379.1).

ClinVar aggregate classification (germline): Uncertain significance (1 of 4 stars; one submission).

Conditions:
Hereditary cancer-predisposing syndrome. Also called: Neoplastic Syndromes, Hereditary; Hereditary Cancer Syndrome; Tumor predisposition; Hereditary neoplastic syndrome. Identifiers: Orphanet 140162, MedGen C0027672, MeSH D009386, MONDO:0015356.

Submission:

Ambry Genetics
Classification: Uncertain significance for Hereditary cancer-predisposing syndrome. Last evaluated: 2025-01-18. Review status: criteria provided, single submitter. Criteria: Ambry Variant Classification Scheme 2023. Collection method: clinical testing. Allele origin: germline.
Comment: The c.2577_2581dupCGCGG variant, located in coding exon 20 of the POLD1 gene, results from a duplication of CGCGG at nucleotide positions 2577 to 2581, causing a translational frameshift with a predicted alternate stop codon (p.V861Afs*29). This alteration is expected to result in loss of function by premature protein truncation or nonsense-mediated mRNA decay. However, loss of function of POLD1 has not been established as a mechanism of disease. Based on the available evidence, the clinical significance of this alteration remains unclear.